The following is an entry in ClinVar:

NM_001110556.2(FLNA):c.4366C>T (p.Pro1456Ser)

Gene: FLNA (filamin A; minus strand). Cytogenetic location: Xq28.
Variant type: single nucleotide variant.
Coding change: c.4366C>T on transcript NM_001110556.2 (MANE Select); coding-DNA position 4366, C replaced by T.
Protein change: p.Pro1456Ser; replaces proline 1456 with serine.
Molecular consequence: missense variant.
Genome position (GRCh38, 1-based): chrX:154,359,092, G>A on the plus strand (C>T on the coding strand, the complement: FLNA is on the minus strand). VCF-style: chrX-154359092-G-A. GRCh37 (hg19) VCF-style: chrX-153587460-G-A.
Other names: c.4366C>T, p.Pro1456Ser (NM_001456.4); short protein forms P1456S.
Identifiers: ClinVar variation 451728 (VCV000451728.4), dbSNP rs1557177405, ClinGen allele CA415216958.

ClinVar aggregate classification (germline): Uncertain significance. Review status: criteria provided, multiple submitters, no conflicts (2 of 4 stars). 2 submissions from 2 submitters: Uncertain significance (2). Last evaluated 2026-01-05.

Conditions:
Heterotopia, periventricular, X-linked dominant (PVNH1). Also called: PERIVENTRICULAR NODULAR HETEROTOPIA 1; X-linked periventricular heterotopia; PERIVENTRICULAR NODULAR HETEROTOPIA 4; HETEROTOPIA, PERIVENTRICULAR, 1. Identifiers: Orphanet 2149, Orphanet 82004, MedGen C1848213, MONDO:0010233, OMIM 300049.
Oto-palato-digital syndrome, type II (OPD2). Also called: FACIOPALATOOSSEOUS SYNDROME; OPD II SYNDROME; Otopalatodigital Syndrome Type 2 (FLNA-OPD2); Otopalatodigital Syndrome, Type II. Identifiers: Orphanet 669, Orphanet 90652, MedGen C1844696, MONDO:0010571, OMIM 304120.
Frontometaphyseal dysplasia (FMD1). Identifiers: Orphanet 1826, MedGen C0265293, MONDO:0015942.
Melnick-Needles syndrome (MNS). Also called: MELNICK-NEEDLES OSTEODYSPLASTY; OSTEODYSPLASTY OF MELNICK AND NEEDLES; Melnick-Needles Syndrome (FLNA-MNS). Identifiers: Orphanet 2484, MedGen C0025237, MONDO:0010650, OMIM 309350.

Submissions (2):

Labcorp Genetics (formerly Invitae), Labcorp
Classification: Uncertain significance for Oto-palato-digital syndrome, type II; Heterotopia, periventricular, X-linked dominant; Frontometaphyseal dysplasia; Melnick-Needles syndrome. Last evaluated: 2026-01-05. Review status: criteria provided, single submitter. Criteria: Invitae Variant Classification Sherloc (09022015). Collection method: clinical testing. Allele origin: germline.
Comment: This sequence change replaces proline, which is neutral and non-polar, with serine, which is neutral and polar, at codon 1456 of the FLNA protein (p.Pro1456Ser). This variant is not present in population databases (gnomAD no frequency). This variant has not been reported in the literature in individuals affected with FLNA-related conditions. ClinVar contains an entry for this variant (Variation ID: 451728). Invitae Evidence Modeling of protein sequence and biophysical properties (such as structural, functional, and spatial information, amino acid conservation, physicochemical variation, residue mobility, and thermodynamic stability) indicates that this missense variant is not expected to disrupt FLNA protein function with a negative predictive value of 95%. In summary, the available evidence is currently insufficient to determine the role of this variant in disease. Therefore, it has been classified as a Variant of Uncertain Significance.

GeneDx
Classification: Uncertain significance. Last evaluated: 2017-09-01. Review status: criteria provided, single submitter. Criteria: GeneDx Variant Classification (06012015). Collection method: clinical testing. Allele origin: germline. Affected: yes.
Comment: A variant of uncertain significance has been identified in the FLNA gene. The P1456S variant has not been published as pathogenic or been reported as benign to our knowledge. The P1456S variant is not observed in large population cohorts (Lek et al., 2016; 1000 Genomes Consortium et al., 2015; Exome Variant Server). The P1456S variant is a non-conservative amino acid substitution, which is likely to impact secondary protein structure as these residues differ in polarity, charge, size and/or other properties. In silico analysis predicts this variant is probably damaging to the protein structure/function. However, this substitution occurs at a position that is not conserved.